The following is an entry in ClinVar:

NM_176787.5(PIGN):c.1666G>A (p.Glu556Lys)

Gene: PIGN (phosphatidylinositol glycan anchor biosynthesis class N; minus strand). Cytogenetic location: 18q21.33.
Variant type: single nucleotide variant.
Coding change: c.1666G>A on transcript NM_176787.5 (MANE Select); coding-DNA position 1666, G replaced by A.
Protein change: p.Glu556Lys; replaces glutamic acid 556 with lysine.
Molecular consequence: missense variant.
Genome position (GRCh38, 1-based): chr18:62,106,994, C>T on the plus strand (G>A on the coding strand, the complement: PIGN is on the minus strand). VCF-style: chr18-62106994-C-T. GRCh37 (hg19) VCF-style: chr18-59774227-C-T.
Other names: c.1666G>A, p.Glu556Lys (NM_012327.6); short protein forms E556K.
Identifiers: ClinVar variation 3212808 (VCV003212808.3), dbSNP rs778177290, ClinGen allele CA8982225.

ClinVar aggregate classification (germline): Uncertain significance. Review status: criteria provided, multiple submitters, no conflicts (2 of 4 stars). 3 submissions from 3 submitters: Uncertain significance (3). Last evaluated 2024-12-04.

Conditions:
Inborn genetic diseases. Identifiers: MedGen C0950123, MeSH D030342.

Allele frequency attached by ClinVar (database versions not stated): TOPMed 0.00002; ExAC 0.00003; gnomAD 0.00003; gnomAD exomes 0.00004.
gnomAD v4.1: 54 of 1,578,606 alleles (0.0034%); highest among the groups gnomAD compares: Non-Finnish European, 0.0044%; no homozygotes.

Submissions (3):

GeneDx
Classification: Uncertain significance. Last evaluated: 2024-12-04. Review status: criteria provided, single submitter. Criteria: GeneDx Variant Classification Process June 2021. Collection method: clinical testing. Allele origin: germline. Affected: yes.
Comment: Not observed at significant frequency in large population cohorts (gnomAD); In silico analysis supports that this missense variant has a deleterious effect on protein structure/function; Has not been previously published as pathogenic or benign to our knowledge

Ambry Genetics
Classification: Uncertain significance for Inborn genetic diseases. Last evaluated: 2024-02-22. Review status: criteria provided, single submitter. Criteria: Ambry Variant Classification Scheme 2023. Collection method: clinical testing. Allele origin: germline.

Blueprint Genetics
Classification: Uncertain significance. Last evaluated: 2022-11-22. Review status: criteria provided, single submitter. Criteria: ACMG Guidelines, 2015. Collection method: clinical testing. Allele origin: germline.